The following is an entry in ClinVar:

NM_177438.3(DICER1):c.5745T>G (p.Asn1915Lys)

Gene: DICER1 (dicer 1, ribonuclease III; minus strand). Cytogenetic location: 14q32.13.
Variant type: single nucleotide variant.
Coding change: c.5745T>G on transcript NM_177438.3 (MANE Select); coding-DNA position 5745, T replaced by G.
Protein change: p.Asn1915Lys; replaces asparagine 1915 with lysine.
Molecular consequence: missense variant. On other transcripts: non-coding transcript variant (6), 3 prime UTR variant (1).
Genome position (GRCh38, 1-based): chr14:95,090,522, A>C on the plus strand (T>G on the coding strand, the complement: DICER1 is on the minus strand). VCF-style: chr14-95090522-A-C. GRCh37 (hg19) VCF-style: chr14-95556859-A-C.
Other names: c.4062T>G, p.Asn1354Lys (NM_001395697.1); c.5745T>G, p.Asn1915Lys (NM_030621.4, NM_001271282.3, NM_001291628.2 and 7 more transcripts); c.*92T>G (NM_001195573.1); c.5463T>G, p.Asn1821Lys (NM_001395686.1); c.5340T>G, p.Asn1780Lys (NM_001395687.1, NM_001395688.1, NM_001395689.1 and 1 more transcripts); c.5178T>G, p.Asn1726Lys (NM_001395691.1); short protein forms N1354K, N1726K, N1780K, N1821K, N1915K.
Identifiers: ClinVar variation 3627085 (VCV003627085.2).

ClinVar aggregate classification (germline): Uncertain significance (1 of 4 stars; one submission).

Conditions:
DICER1-related tumor predisposition. Also called: DICER1 syndrome; DICER1-related pleuropulmonary blastoma cancer predisposition syndrome. Identifiers: Orphanet 284343, MedGen C3839822, MONDO:0100216.

Submission:

Labcorp Genetics (formerly Invitae), Labcorp
Classification: Uncertain significance for DICER1-related tumor predisposition. Last evaluated: 2024-02-22. Review status: criteria provided, single submitter. Criteria: Invitae Variant Classification Sherloc (09022015). Collection method: clinical testing. Allele origin: germline.
Comment: This sequence change replaces asparagine, which is neutral and polar, with lysine, which is basic and polar, at codon 1915 of the DICER1 protein (p.Asn1915Lys). This variant is not present in population databases (gnomAD no frequency). This variant has not been reported in the literature in individuals affected with DICER1-related conditions. An algorithm developed to predict the effect of missense changes on protein structure and function (PolyPhen-2) suggests that this variant is likely to be tolerated. In summary, the available evidence is currently insufficient to determine the role of this variant in disease. Therefore, it has been classified as a Variant of Uncertain Significance.